The following is an entry in ClinVar:

ClinVar aggregate classification (germline): Uncertain significance (1 of 4 stars; one submission).

Conditions:
Hereditary cancer-predisposing syndrome. Also called: Neoplastic Syndromes, Hereditary; Tumor predisposition; Hereditary Cancer Syndrome; Hereditary neoplastic syndrome. Identifiers: Orphanet 140162, MedGen C0027672, MeSH D009386, MONDO:0015356.

Submission:

Ambry Genetics
Classification: Uncertain significance for Hereditary cancer-predisposing syndrome. Last evaluated: 2026-03-11. Review status: criteria provided, single submitter. Criteria: Ambry Variant Classification Scheme 2023. Collection method: clinical testing. Allele origin: germline.
Comment: The p.N30K variant (also known as c.90T>A), located in coding exon 1 of the APC gene, results from a T to A substitution at nucleotide position 90. The asparagine at codon 30 is replaced by lysine, an amino acid with similar properties. This amino acid position is conserved. In addition, in silico predictors for this gene do not accurately predict pathogenicity. Based on the available evidence, the clinical significance of this variant remains unclear.

NM_000038.6(APC):c.90T>A (p.Asn30Lys)

Gene: APC (APC regulator of Wnt signaling pathway; plus strand). Cytogenetic location: 5q22.2.
Variant type: single nucleotide variant.
Coding change: c.90T>A on transcript NM_000038.6 (MANE Select); coding-DNA position 90, T replaced by A.
Protein change: p.Asn30Lys; replaces asparagine 30 with lysine.
Molecular consequence: missense variant. On other transcripts: 5 prime UTR variant (4), non-coding transcript variant (2), intron variant (11).
Genome position (GRCh38, 1-based): chr5:112,754,980, T>A. VCF-style: chr5-112754980-T-A. GRCh37 (hg19) VCF-style: chr5-112090677-T-A.
Other names: c.90T>A, p.Asn30Lys (NM_001354895.2, NM_001354896.2, NM_001354899.2 and 16 more transcripts); c.-946T>A (NM_001354906.2, NM_001407470.1, NM_001407471.1 and 1 more transcripts); c.166-11346T>A (NM_001407446.1, NM_001354897.2, NM_001354902.2 and 1 more transcripts); c.-42-11346T>A (NM_001407453.1, NM_001354900.2, NM_001354901.2 and 1 more transcripts); c.61-11346T>A (NM_001407451.1, NM_001354898.2, NM_001354904.2); short protein forms N30K.
Identifiers: ClinVar variation 4827304 (VCV004827304.1).
Genomic context (GRCh38, chr5:112,754,980, plus strand): 5'-AAAGCAAGTTGAGGCACTGAAGATGGAGAACTCAAATCTTCGACAAGAGCTAGAAGATAA[T>A]TCCAATCATCTTACAAAACTGGAAACTGAGGCATCTAATATGAAGGTATCAAGACTGTGA-3'
Protein context (NP_000029.2, residues 20-40): NSNLRQELED[Asn30Lys]SNHLTKLETE